The following is an entry in ClinVar:

NM_001252024.2(TRPM1):c.2572-2A>G

Genes: TRPM1 (transient receptor potential cation channel subfamily M member 1; minus strand), TRPM1-AS1 (TRPM1 antisense RNA 1; plus strand). Cytogenetic location: 15q13.3.
Variant type: single nucleotide variant.
Coding change: c.2572-2A>G on transcript NM_001252024.2 (MANE Select); the canonical splice acceptor site of the intron before coding-DNA position 2572, A replaced by G.
Molecular consequence: splice acceptor variant.
Genome position (GRCh38, 1-based): chr15:31,035,676, T>C on the plus strand (A>G on the coding strand, the complement: TRPM1 is on the minus strand). VCF-style: chr15-31035676-T-C. GRCh37 (hg19) VCF-style: chr15-31327879-T-C.
Other names: c.2623-2A>G (NM_001252020.2); c.2506-2A>G (NM_002420.6).
Identifiers: ClinVar variation 2693504 (VCV002693504.3), dbSNP rs2504085836, ClinGen allele CA391546910.

ClinVar aggregate classification (germline): Likely pathogenic (1 of 4 stars; one submission).

Submission:

Labcorp Genetics (formerly Invitae), Labcorp
Classification: Likely pathogenic. Last evaluated: 2023-11-05. Review status: criteria provided, single submitter. Criteria: Invitae Variant Classification Sherloc (09022015). Collection method: clinical testing. Allele origin: germline.
Comment: This sequence change affects an acceptor splice site in intron 19 of the TRPM1 gene. It is expected to disrupt RNA splicing. Variants that disrupt the donor or acceptor splice site typically lead to a loss of protein function (PMID: 16199547), and loss-of-function variants in TRPM1 are known to be pathogenic (PMID: 19896113, 19966281, 20300565). This variant is not present in population databases (gnomAD no frequency). This variant has not been reported in the literature in individuals affected with TRPM1-related conditions. Algorithms developed to predict the effect of sequence changes on RNA splicing suggest that this variant may disrupt the consensus splice site. In summary, the currently available evidence indicates that the variant is pathogenic, but additional data are needed to prove that conclusively. Therefore, this variant has been classified as Likely Pathogenic.

Literature cited by the submitters: PubMed 16199547; PubMed 19896113; PubMed 19966281; PubMed 20300565.